The following is an entry in ClinVar:

ClinVar aggregate classification (germline): Likely pathogenic (1 of 4 stars; one submission).

Conditions:
Hereditary breast ovarian cancer syndrome. Also called: Hereditary breast and ovarian cancer syndrome (HBOC); Breast and ovarian cancer; Hereditary breast and/or ovarian cancer syndrome; BRCA1- and BRCA2-Associated Hereditary Breast and Ovarian Cancer; Hereditary breast and ovarian cancer syndrome; Hereditary breast and ovarian cancer. Identifiers: Orphanet 145, MedGen C0677776, MeSH D061325, MONDO:0003582. Disease mechanism: loss of function.

Submission:

Labcorp Genetics (formerly Invitae), Labcorp
Classification: Likely pathogenic for Hereditary breast ovarian cancer syndrome. Last evaluated: 2020-10-01. Review status: criteria provided, single submitter. Criteria: Invitae Variant Classification Sherloc (09022015). Collection method: clinical testing. Allele origin: germline.
Comment: This variant is a gross duplication of the genomic region encompassing exon 19 of the BRCA1 gene. While the exact position of the duplicated exon cannot be determined from this data, the duplicated copy of this region is likely in tandem and in-frame, therefore preserving the integrity of the reading frame. Duplications of exon 19 have been reported in individuals and families with breast and/or ovarian cancer (PMID: 16715518, 16793929). Duplication of exon 19 is also known as duplication of exon 20 by legacy exon numbering in the literature. ClinVar contains an entry for duplications of exon 19 (Variation ID: 267581). The C-terminal region of the BRCA1 protein contains two BRCT repeats (BRCT-N and BRCT-C), which are essential for BRCA1 protein function (PMID: 10811118, 8751436). Structural and functional analyses have shown that the tandem BRCT domains form a well-organized structure crucial for BRCA1 transcriptional activity (PMID: 20516115, 11573086, 15172985). This variant is expected to disrupt the BRCT repeats, which would likely destabilize the structure of the C-terminal region of the BRCA1 protein and disrupt BRCA1 transcriptional activity. In summary, the currently available evidence indicates that the variant is pathogenic, but additional data are needed to prove that conclusively. Therefore, this variant has been classified as Likely Pathogenic.

Literature cited by the submitters: PubMed 16715518; PubMed 16793929; PubMed 10811118; PubMed 8751436; PubMed 20516115; PubMed 11573086; PubMed 15172985.

NC_000017.10:g.(?_41209048)_(41209172_?)dup

Gene: BRCA1 (BRCA1 DNA repair associated; minus strand). Cytogenetic location: 17q21.31.
Variant type: Duplication.
Identifiers: ClinVar variation 1066581 (VCV001066581.1).